The following is an entry in ClinVar:

NM_000321.3(RB1):c.685C>T (p.Leu229Phe)

Gene: RB1 (RB transcriptional corepressor 1; plus strand). Cytogenetic location: 13q14.2.
Variant type: single nucleotide variant.
Coding change: c.685C>T on transcript NM_000321.3 (MANE Select); coding-DNA position 685, C replaced by T.
Protein change: p.Leu229Phe; replaces leucine 229 with phenylalanine.
Molecular consequence: missense variant.
Genome position (GRCh38, 1-based): chr13:48,360,094, C>T. VCF-style: chr13-48360094-C-T. GRCh37 (hg19) VCF-style: chr13-48934230-C-T.
Other names: short protein forms L229F.
Identifiers: ClinVar variation 458177 (VCV000458177.18), dbSNP rs766131342, ClinGen allele CA039248.

ClinVar aggregate classification (germline): Benign/Likely benign. Review status: criteria provided, multiple submitters, no conflicts (2 of 4 stars). 4 submissions from 4 submitters: Benign (2); Likely benign (2). Last evaluated 2026-06-18.

Conditions:
Retinoblastoma (RB1). Also called: RETINOBLASTOMA, SOMATIC. Identifiers: Orphanet 790, MedGen C0035335, MeSH D012175, MONDO:0008380, OMIM 180200, HP:0009919. Disease mechanism: loss of function. Inheritance: Both sporadic and heritable forms are tested..
Hereditary cancer-predisposing syndrome. Also called: Hereditary neoplastic syndrome; Neoplastic Syndromes, Hereditary; Hereditary Cancer Syndrome; Tumor predisposition. Identifiers: Orphanet 140162, MedGen C0027672, MeSH D009386, MONDO:0015356.

Allele frequency attached by ClinVar (database versions not stated): gnomAD 0.00001 and 0.00002; TOPMed 0.00001; gnomAD exomes 0.00002 and 0.00001; ExAC 0.00002.
gnomAD v4.1: 20 of 1,612,328 alleles (0.0012%); highest among the groups gnomAD compares: East Asian, 0.0089%; no homozygotes.

Submissions (4):

Myriad Genetics, Inc.
Classification: Likely benign for Retinoblastoma. Last evaluated: 2026-06-18. Review status: criteria provided, single submitter. Criteria: Myriad Autosomal Dominant, Autosomal Recessive and X-Linked Classification Criteria (2023). Collection method: clinical testing. Allele origin: unknown.
Comment: This variant is considered likely benign. This variant has been observed at a population frequency that is significantly greater than expected given the associated disease prevalence and penetrance.

Labcorp Genetics (formerly Invitae), Labcorp
Classification: Benign for Retinoblastoma. Last evaluated: 2025-10-30. Review status: criteria provided, single submitter. Criteria: Invitae Variant Classification Sherloc (09022015). Collection method: clinical testing. Allele origin: germline.

All of Us Research Program, National Institutes of Health
Classification: Likely benign for Retinoblastoma. Last evaluated: 2024-03-24. Review status: criteria provided, single submitter. Criteria: ACMG Guidelines, 2015. Collection method: clinical testing. Allele origin: germline. Inheritance: Autosomal dominant inheritance. Observed: 1 variant allele, 1 heterozygote.
Comment: This study involves interpretation of variants in research participants for the purpose of population health screening. Participant phenotype was not available at the time of variant classification. Additional details can be found in publication PMID: 35346344, PMCID: PMC8962531

Ambry Genetics
Classification: Benign for Hereditary cancer-predisposing syndrome. Last evaluated: 2022-10-21. Review status: criteria provided, single submitter. Criteria: Ambry Variant Classification Scheme 2023. Collection method: clinical testing. Allele origin: germline.